The following is an entry in ClinVar:

NM_003240.5(LEFTY2):c.873C>T (p.Tyr291=)

Gene: LEFTY2 (left-right determination factor 2; minus strand). Cytogenetic location: 1q42.12.
Variant type: single nucleotide variant.
Coding change: c.873C>T on transcript NM_003240.5 (MANE Select); coding-DNA position 873, C replaced by T.
Protein change: p.Tyr291=; no amino-acid change (tyrosine 291 retained).
Molecular consequence: synonymous variant.
Genome position (GRCh38, 1-based): chr1:225,937,669, G>A on the plus strand (C>T on the coding strand, the complement: LEFTY2 is on the minus strand). VCF-style: chr1-225937669-G-A. GRCh37 (hg19) VCF-style: chr1-226125369-G-A.
Other names: c.771C>T, p.Tyr257= (NM_001172425.3).
Identifiers: ClinVar variation 696954 (VCV000696954.10), dbSNP rs536871035, ClinGen allele CA1420460.
Genomic context (GRCh38, chr1:225,937,669, plus strand): 5'-CAGAAATGGCCAATTGAAGGCCAGGGCCTCCGGGGGCTGCTGGCAGGTGCCCACACACTC[G>A]TAAGCCAGGAAGCCCGGGGGCTCCAGCACCCAGTTCTTGGCCCACTTCATCCCCTGCAGG-3'
Protein context (NP_003231.2, residues 281-301): WVLEPPGFLA[Tyr291=]ECVGTCQQPP

ClinVar aggregate classification (germline): Benign. Review status: criteria provided, multiple submitters, no conflicts (2 of 4 stars). 2 submissions from 2 submitters: Benign (2). Last evaluated 2025-08-31.

Conditions:
Left-right axis malformations. Identifiers: MedGen C1866091.

Allele frequency attached by ClinVar (database versions not stated): TOPMed 0.00013; gnomAD 0.00014 and 0.00019; gnomAD exomes 0.00043; ExAC 0.00044; 1000 Genomes Project 30x 0.00078; 1000 Genomes Project 0.00100.
gnomAD v4.1: 238 of 1,614,020 alleles (0.015%); highest among the groups gnomAD compares: East Asian, 0.4%; no homozygotes.

Submissions (2):

Labcorp Genetics (formerly Invitae), Labcorp
Classification: Benign for Left-right axis malformations. Last evaluated: 2025-08-31. Review status: criteria provided, single submitter. Criteria: Invitae Variant Classification Sherloc (09022015). Collection method: clinical testing. Allele origin: germline.

Illumina Laboratory Services, Illumina
Classification: Benign for Left-right axis malformations. Last evaluated: 2018-01-13. Review status: criteria provided, single submitter. Criteria: ICSL Variant Classification Criteria 13 December 2019. Collection method: clinical testing. Allele origin: germline.
Comment: This variant was observed in the ICSL laboratory as part of a predisposition screen in an ostensibly healthy population. It had not been previously curated by ICSL or reported in the Human Gene Mutation Database (HGMD: prior to June 1st, 2018), and was therefore a candidate for classification through an automated scoring system. Utilizing variant allele frequency, disease prevalence and penetrance estimates, and inheritance mode, an automated score was calculated to assess if this variant is too frequent to cause the disease. Based on the score and internal cut-off values, a variant classified as benign is not then subjected to further curation. The score for this variant resulted in a classification of benign for this disease.